The following is an entry in ClinVar:

ClinVar aggregate classification (germline): Benign. Review status: criteria provided, multiple submitters, no conflicts (2 of 4 stars). 7 submissions from 7 submitters: Benign (7). Last evaluated 2026-02-04.

Conditions:
Wagner disease. Also called: Wagner Vitreoretinal Degeneration (Wagner Synrdome); WAGNER VITREORETINOPATHY; WAGNER SYNDROME 1; Wagner syndrome; HYALOIDEORETINAL DEGENERATION OF WAGNER; WAGNER VITREORETINAL DEGENERATION. Identifiers: Orphanet 898, MedGen C1840452, MONDO:0007740, OMIM 143200.
Vitreoretinopathy. Also called: Vitreoretinal degeneration. Identifiers: MedGen C0344290, MONDO:0020248, HP:0007773.

Allele frequency attached by ClinVar (database versions not stated): gnomAD exomes 0.37953; ExAC 0.38105; 1000 Genomes Project 0.35843; ESP Exome Variant Server 0.38367; TOPMed 0.38496; 1000 Genomes Project 30x 0.36665; gnomAD 0.38085 and 0.38473.
gnomAD v4.1: 612,396 of 1,613,642 alleles (38%); highest among the groups gnomAD compares: Admixed American, 45%; 117,577 homozygotes.

Submissions (7):

Labcorp Genetics (formerly Invitae), Labcorp
Classification: Benign. Last evaluated: 2026-02-04. Review status: criteria provided, single submitter. Criteria: Invitae Variant Classification Sherloc (09022015). Collection method: clinical testing. Allele origin: germline.

Blueprint Genetics
Classification: Benign. Last evaluated: 2024-11-27. Review status: criteria provided, single submitter. Criteria: ACMG Guidelines, 2015. Collection method: clinical testing. Allele origin: germline.

Genome-Nilou Lab
Classification: Benign for Wagner disease. Last evaluated: 2021-12-05. Review status: criteria provided, single submitter. Criteria: ACMG Guidelines, 2015. Collection method: clinical testing. Allele origin: germline. Affected: no.

GeneDx
Classification: Benign. Last evaluated: 2020-03-14. Review status: criteria provided, single submitter. Criteria: GeneDx Variant Classification Process June 2021. Collection method: clinical testing. Allele origin: germline. Affected: yes.
Comment: This variant is associated with the following publications: (PMID: 19655167)

Illumina Laboratory Services, Illumina
Classification: Benign for Vitreoretinopathy. Last evaluated: 2017-04-27. Review status: criteria provided, single submitter. Criteria: ICSL Variant Classification Criteria 13 December 2019. Collection method: clinical testing. Allele origin: germline.
Comment: This variant was observed as part of a predisposition screen in an ostensibly healthy population. A literature search was performed for the gene, cDNA change, and amino acid change (where applicable). No publications were found based on this search. Allele frequency data from public databases was too high to be consistent with this variant causing disease. Therefore, this variant is classified as benign.

Eurofins Ntd Llc (ga)
Classification: Benign. Last evaluated: 2014-01-20. Review status: criteria provided, single submitter. Criteria: EGL Classification Definitions 2015. Collection method: clinical testing. Allele origin: germline. Observed: 4 variant alleles, 4 heterozygotes.

PreventionGenetics, part of Exact Sciences
Classification: Benign. Review status: criteria provided, single submitter. Criteria: ACMG Guidelines, 2015. Collection method: clinical testing. Allele origin: germline.

NM_004385.5(VCAN):c.5477G>A (p.Arg1826His)

Genes: VCAN (versican; plus strand), VCAN-AS1 (VCAN antisense RNA 1; minus strand). Cytogenetic location: 5q14.3.
Variant type: single nucleotide variant.
Coding change: c.5477G>A on transcript NM_004385.5 (MANE Select); coding-DNA position 5477, G replaced by A.
Protein change: p.Arg1826His; replaces arginine 1826 with histidine.
Molecular consequence: missense variant. On other transcripts: intron variant (2).
Genome position (GRCh38, 1-based): chr5:83,538,480, G>A. VCF-style: chr5-83538480-G-A. GRCh37 (hg19) VCF-style: chr5-82834299-G-A.
Other names: c.2516G>A, p.Arg839His (NM_001164097.2); c.4004-7057G>A (NM_001164098.2); c.1043-7057G>A (NM_001126336.3); short protein forms R1826H, R839H.
Identifiers: ClinVar variation 167823 (VCV000167823.24), dbSNP rs188703, ClinGen allele CA180484.